The following is an entry in ClinVar:

ClinVar aggregate classification (germline): Pathogenic/Likely pathogenic. Review status: criteria provided, multiple submitters, no conflicts (2 of 4 stars). 19 submissions from 19 submitters: Pathogenic (5); Likely pathogenic (13). 1 of the submissions does not count toward it. Last evaluated 2026-08-25.

Conditions:
CDKN2A-related disorder. Also called: CDKN2A-related condition.
Familial melanoma. Also called: Hereditary melanoma; Hereditary cutaneous melanoma. Identifiers: Orphanet 618, MedGen C1512419, MONDO:0018961.
Melanoma-pancreatic cancer syndrome. Identifiers: Orphanet 404560, MedGen C1838547, MONDO:0011713, OMIM 606719. Disease mechanism: loss of function.
Melanoma, cutaneous malignant, susceptibility to, 2 (CMM2). Also called: CDKN2A-Related Cutaneous Malignant Melanoma; Cutaneous malignant melanoma 2. Identifiers: Orphanet 618, MedGen C1835044, MONDO:0007964, OMIM 155601.
Melanoma and neural system tumor syndrome. Also called: MELANOMA-ASTROCYTOMA SYNDROME. Identifiers: Orphanet 252206, MedGen C1835042, MONDO:0007967, OMIM 155755.
Hereditary cancer-predisposing syndrome. Also called: Neoplastic Syndromes, Hereditary; Tumor predisposition; Hereditary Cancer Syndrome; Hereditary neoplastic syndrome. Identifiers: Orphanet 140162, MedGen C0027672, MeSH D009386, MONDO:0015356.

Allele frequency attached by ClinVar (database versions not stated): ExAC 0.00007; TOPMed 0.00015.

Submissions 1 to 6 of 19:

PreventionGenetics, part of Exact Sciences
Classification: Likely pathogenic for CDKN2A-related condition. Last evaluated: 2026-08-25. Review status: criteria provided, single submitter. Criteria: ACMG Guidelines, 2015. Collection method: clinical testing. Allele origin: germline.
Comment: The CDKN2A c.9_32dup24 variant is predicted to result in an in-frame duplication (p.Ala4_Pro11dup). This variant is also known as 32_33ins9-32, 32ins24, and 23ins24. This variant has been reported in multiple families with melanoma (Flores et al. 1997. PubMed ID: 9416844; Jovanovic et al. 2009. PubMed ID: 19759551; Bishop et al. 2002. PubMed ID: 12072543; Goldstein et al. 2006. PubMed ID: 16905682). It has also been reported in individuals with pancreatic cancer, osteosarcoma, endometrial cancer, or colorectal cancer (Zhen et al. 2015. PubMed ID: 25356972; Table S1, Chan et al. 2016. PubMed ID: 29263814; eTable 3, Pearlman et al. 2017. PubMed ID: 27978560; Yurgelun et al. 2017. PubMed ID: 28135145). In vitro experimental studies suggest this variant impacts protein function (Monzon et al. 1998. PubMed ID: 9516223; Becker et al. 2005. PubMed ID: 15945100). This variant is reported in 0.0057% of alleles in individuals of Latino descent in gnomAD and is reported as likely pathogenic and pathogenic in ClinVar (Variation ID: 135827). This variant is interpreted as likely pathogenic.

Labcorp Genetics (formerly Invitae), Labcorp
Classification: Likely pathogenic for Familial melanoma. Last evaluated: 2026-01-25. Review status: criteria provided, single submitter. Criteria: Invitae Variant Classification Sherloc (09022015). Collection method: clinical testing. Allele origin: germline.
Comment: This variant, c.9_32dup, results in the insertion of 8 amino acid(s) of the CDKN2A (p16INK4a) protein (p.Ala4_Pro11dup), but otherwise preserves the integrity of the reading frame. This variant is present in population databases (rs587780668, gnomAD 0.006%). This variant has been observed in individual(s) with melanoma (PMID: 8595405, 9328469, 9416844, 9516223, 16307646, 16397522, 25803691). It has also been observed to segregate with disease in related individuals. This variant is also known as 32_33ins9-32, 32ins24, and 23ins24. ClinVar contains an entry for this variant (Variation ID: 135827). Algorithms developed to predict the effect of variants on gene product structure and function are not available or were not evaluated for this variant. Experimental studies are conflicting or provide insufficient evidence to determine the effect of this variant on CDKN2A (p16INK4a) function (PMID: 8668202, 9516223, 15945100). In summary, the currently available evidence indicates that the variant is pathogenic, but additional data are needed to prove that conclusively. Therefore, this variant has been classified as Likely Pathogenic.

Variantyx, Inc.
Classification: Likely pathogenic for Melanoma, cutaneous malignant, susceptibility to, 2. Last evaluated: 2025-09-16. Review status: criteria provided, single submitter. Criteria: Variantyx Assertion Criteria 2022. Collection method: clinical testing. Allele origin: germline. Inheritance: Autosomal recessive inheritance.
Comment: This is an in-frame variant in the CDKN2A gene (OMIM: 600160). Pathogenic variants in this gene have been associated with autosomal dominant CDKN2A cancer predisposition. This variant causes an in-frame duplication of 8 amino acids between codons 4 and 11 of the CDKN2A protein (PM4). This variant has been reported in at least 2 unrelated affected individuals (PMID: 9416844, 8595405) (PS4_Moderate) and has been observed to segregate with disease in at least 8 individuals from 2 families (PMID: 9416844, 8595405) (PP1). Functional studies have produced conflicting results about the impact of this variant on protein function (PMID: 9516223, 15945100). This variant has a 0.0067% maximum allele frequency in non-founder control populations (PM2). Based on the current evidence, this variant is classified as likely pathogenic for autosomal dominant CDKN2A cancer predisposition. This variant is also known as 32_33ins9-32, 32ins24, and 23ins24 in the literature.

Institute for Genomic Medicine (IGM) Clinical Laboratory, Nationwide Children's Hospital
Classification: Likely pathogenic for Melanoma and neural system tumor syndrome. Last evaluated: 2025-04-04. Review status: criteria provided, single submitter. Criteria: ACMG Guidelines, 2015. Collection method: clinical testing. Allele origin: germline.
Comment: This variant has been reported at an elevated frequency in affected individuals/in multiple affected individuals in the literature (ACMG/AMP: PS4; PMIDs:10620111, 8595405, 9416844, 9603434, 16307646, 25356972). This variant is predicted to result in an in-frame insertion or deletion in a non-repetitive region (ACMG/AMP: PM4; PMIDs:8595405, 9328469, 9416844, 9603434, 10620111, 16307646). This variant has been shown to segregate with disease in multiple affected family members (ACMG/AMP: PP1; PMIDs:8595405, 9328469, 9416844, 10620111).

Color Diagnostics, LLC DBA Color Health
Classification: Pathogenic for Hereditary cancer-predisposing syndrome. Last evaluated: 2025-03-24. Review status: criteria provided, single submitter. Criteria: ACMG Guidelines, 2015. Collection method: clinical testing. Allele origin: germline.
Comment: The CDKN2A locus encodes two different gene products, p16INK4a and p14ARF. This variant causes an in-frame duplication of 8 amino acids in the N-terminus of the CDKN2A (p16INK4A) protein. This variant is also known as c.-16_8GGCGGCGGGGAGCAGCATGGAGCC[3], c.1_24dup, c.23ins24 p.Met1_Ser8dup, c.32_33ins9-32 and c.32ins24 in the literature. This variant has been reported in up to twenty individuals affected with melanoma (PMID: 8595405, 9328469, 9416844, 9516223, 16307646, 16397522, 16905682, 20340136, 25803691, 28830827) and has been shown to segregate with melanoma in multiple families, with incomplete penetrance observed in some families (PMID: 8595405, 9328469, 9416844, 16397522). This variant has been identified in 3/265240 chromosomes in the general population by the Genome Aggregation Database (gnomAD). Functional studies have reported conflicting results regarding the variant impact on cell cycle regulation. One study has shown that the mutant protein exhibits a partial loss of cell cycle-inhibitory activity and induces weaker S-phase inhibition than the wild-type protein and that cells expressing this mutant protein retain colony formation ability (PMID: 15945100). In this study, the cell cycle-regulatory defect of the mutant protein was associated with decreased inhibition of pRb (retinoblastoma) protein phosphorylation. Another study has shown no deleterious effect on induction of S phase inhibition (PMID: 20340136). It has also been shown that the mutant protein retains the ability to bind to CDK4 and/or CDK6 in vitro (PMID: 8668202, 9516223, 15945100, 20340136). However, CDK4/CDK6 binding activity may not be the relevant molecular consequence of this variant, as the variant lies outside the ankyrin repeats that mediate CDK4/CDK6 binding (PMID: 8880901). Although the available functional studies have not produced consistent findings, clinical observations strongly indicate this variant is associated with disease. Therefore, this variant is classified as Pathogenic.

Molecular Pathology, Peter Maccallum Cancer Centre
Classification: Likely pathogenic for Melanoma-pancreatic cancer syndrome. Last evaluated: 2024-09-25. Review status: criteria provided, single submitter. Criteria: ACMG Guidelines, 2015. Collection method: clinical testing. Allele origin: germline. Inheritance: Autosomal dominant inheritance.

NM_000077.5(CDKN2A):c.-16GGCGGCGGGGAGCAGCATGGAGCC[3] (p.Pro11_Ser12insAlaAlaGlySerSerMetGluPro)

Gene: CDKN2A (cyclin dependent kinase inhibitor 2A; minus strand). Cytogenetic location: 9p21.3.
Variant type: Microsatellite.
Coding change: c.-16GGCGGCGGGGAGCAGCATGGAGCC[3] on transcript NM_000077.5 (MANE Select); three copies in a row of the 24-base unit GGCGGCGGGGAGCAGCATGGAGCC starting at c.-16; the reference has two copies in a row; one copy, 24 bases duplicated.
Protein change: p.Pro11_Ser12insAlaAlaGlySerSerMetGluPro.
Molecular consequence: inframe insertion, initiator codon variant. On other transcripts: intron variant (3).
Genome position (GRCh38, 1-based): chr9:21,974,796-21,974,819, GGCTCCATGCTGCTCCCCGCCGCC duplicated on the plus strand (GGCGGCGGGGAGCAGCATGGAGCC on the coding strand, the reverse complement: CDKN2A is on the minus strand); duplicating any 24 consecutive bases within chr9:21,974,796-21,974,843 gives the same sequence; the position shown is the placement nearest the transcript's 3' end. VCF-style (leftmost placement, unchanged base first): chr9-21974795-A-AGGCTCCATGCTGCTCCCCGCCGCC. GRCh37 (hg19) VCF-style: chr9-21974794-A-AGGCTCCATGCTGCTCCCCGCCGCC.
Other names: c.9_32dupGGCGGCGGGGAGCAGCATGGAGCC (NM_000077.4); c.9_32dup24 (NM_000077.5); c.-16_8GGCGGCGGGGAGCAGCATGGAGCC[3], p.Met(?_1)_Pro11(?) (NM_000077.6); c.-16GGCGGCGGGGAGCAGCATGGAGCC[3], p.Pro11_Ser12insAlaAlaGlySerSerMetGluPro (NM_001195132.2, NM_058197.5); c.-3-3635GGCGGCGGGGAGCAGCATGGAGCC[3] (NM_001363763.2); c.194-3635GGCGGCGGGGAGCAGCATGGAGCC[3] (NM_058195.4); c.9_32dup (NM_000077.5); c.194-3611_194-3588dupGGCGGCGGGGAGCAGCATGGAGCC (NM_058195.4).
Identifiers: ClinVar variation 135827 (VCV000135827.42), dbSNP rs587780668, ClinGen allele CA120397.